The following is an entry in ClinVar:

NM_206933.4(USH2A):c.12092A>G (p.Tyr4031Cys)

Gene: USH2A (usherin; minus strand). Cytogenetic location: 1q41.
Variant type: single nucleotide variant.
Coding change: c.12092A>G on transcript NM_206933.4 (MANE Select); coding-DNA position 12092, A replaced by G.
Protein change: p.Tyr4031Cys; replaces tyrosine 4031 with cysteine.
Molecular consequence: missense variant.
Genome position (GRCh38, 1-based): chr1:215,680,351, T>C on the plus strand (A>G on the coding strand, the complement: USH2A is on the minus strand). VCF-style: chr1-215680351-T-C. GRCh37 (hg19) VCF-style: chr1-215853693-T-C.
Other names: short protein forms Y4031C.
Identifiers: ClinVar variation 1305678 (VCV001305678.8), dbSNP rs772969352, ClinGen allele CA1393539.

ClinVar aggregate classification (germline): Uncertain significance. Review status: criteria provided, multiple submitters, no conflicts (2 of 4 stars). 8 submissions from 7 submitters: Uncertain significance (7). 1 of the submissions does not count toward it. Last evaluated 2024-12-18.

Conditions:
Inborn genetic diseases. Identifiers: MedGen C0950123, MeSH D030342.
Retinitis pigmentosa 39 (RP39). Identifiers: Orphanet 791, MedGen C3151138, MONDO:0013436, OMIM 613809.
Retinal dystrophy. Also called: Inherited retinal dystrophy. Identifiers: Orphanet 71862, MedGen C0854723, MeSH D058499, MONDO:0019118, HP:0000556.
Usher syndrome type 2A. Also called: RETINAL DISEASE IN USHER SYNDROME TYPE IIA, MODIFIER OF; USHER SYNDROME, TYPE IIA. Identifiers: Orphanet 231178, Orphanet 886, MedGen C1848634, MONDO:0010169, OMIM 276901.

Allele frequency attached by ClinVar (database versions not stated): gnomAD 0.00001; gnomAD exomes 0.00001 and 0.00002; TOPMed 0.00001; ExAC 0.00003.
gnomAD v4.1: 17 of 1,613,924 alleles (0.0011%); highest among the groups gnomAD compares: Middle Eastern, 0.033%; no homozygotes.

Submissions (8):

Genomic Medicine Center of Excellence, King Faisal Specialist Hospital and Research Centre
Classification: Uncertain significance for Usher syndrome type 2A. Last evaluated: 2024-12-18. Review status: criteria provided, single submitter. Criteria: ACMG Guidelines, 2015. Collection method: clinical testing. Allele origin: germline.

Ambry Genetics
Classification: Uncertain significance for Inborn genetic diseases. Last evaluated: 2024-08-14. Review status: criteria provided, single submitter. Criteria: Ambry Variant Classification Scheme 2023. Collection method: clinical testing. Allele origin: germline.

Blueprint Genetics
Classification: Uncertain significance. Last evaluated: 2023-12-20. Review status: criteria provided, single submitter. Criteria: ACMG Guidelines, 2015. Collection method: clinical testing. Allele origin: germline.

Genome-Nilou Lab
Classification: Uncertain significance for Retinitis pigmentosa 39. Last evaluated: 2023-11-04. Review status: criteria provided, single submitter. Criteria: ACMG Guidelines, 2015. Collection method: clinical testing. Allele origin: germline. Affected: no.

Genome-Nilou Lab
Classification: Uncertain significance for Usher syndrome type 2A. Last evaluated: 2023-11-04. Review status: criteria provided, single submitter. Criteria: ACMG Guidelines, 2015. Collection method: clinical testing. Allele origin: germline. Affected: no.

Labcorp Genetics (formerly Invitae), Labcorp
Classification: Uncertain significance. Last evaluated: 2022-04-26. Review status: criteria provided, single submitter. Criteria: Invitae Variant Classification Sherloc (09022015). Collection method: clinical testing. Allele origin: germline.
Comment: This sequence change replaces tyrosine, which is neutral and polar, with cysteine, which is neutral and slightly polar, at codon 4031 of the USH2A protein (p.Tyr4031Cys). This variant is present in population databases (rs772969352, gnomAD 0.006%). This variant has not been reported in the literature in individuals affected with USH2A-related conditions. ClinVar contains an entry for this variant (Variation ID: 1305678). Algorithms developed to predict the effect of missense changes on protein structure and function (SIFT, PolyPhen-2, Align-GVGD) all suggest that this variant is likely to be disruptive. In summary, the available evidence is currently insufficient to determine the role of this variant in disease. Therefore, it has been classified as a Variant of Uncertain Significance.

GeneDx
Classification: Uncertain significance. Last evaluated: 2019-05-07. Review status: criteria provided, single submitter. Criteria: GeneDx Variant Classification Process June 2021. Collection method: clinical testing. Allele origin: germline. Affected: yes.
Comment: Not observed at a significant frequency in large population cohorts (Lek et al., 2016); Has not been previously published as pathogenic or benign to our knowledge

Institute of Human Genetics, Univ. Regensburg, Univ. Regensburg
Classification: Uncertain significance for Retinal dystrophy. Last evaluated: 2015-01-01. Review status: no assertion criteria provided. Criteria: ACMG Guidelines, 2015. Collection method: clinical testing. Allele origin: germline. Affected: yes. Not counted in ClinVar's aggregate classification.